The following is an entry in ClinVar:

NM_000110.4(DPYD):c.1054C>G (p.Leu352Val)

Gene: DPYD (dihydropyrimidine dehydrogenase; minus strand). Cytogenetic location: 1p21.3.
Variant type: single nucleotide variant.
Coding change: c.1054C>G on transcript NM_000110.4 (MANE Select); coding-DNA position 1054, C replaced by G.
Protein change: p.Leu352Val; replaces leucine 352 with valine.
Molecular consequence: missense variant.
Genome position (GRCh38, 1-based): chr1:97,593,292, G>C on the plus strand (C>G on the coding strand, the complement: DPYD is on the minus strand). VCF-style: chr1-97593292-G-C. GRCh37 (hg19) VCF-style: chr1-98058848-G-C.
Other names: short protein forms L352V.
Identifiers: ClinVar variation 3571973 (VCV003571973.2).
Genomic context (GRCh38, chr1:97,593,292, plus strand): 5'-CTCTTATATTAACAAAGCCTTTTCTGAAGACGATGAACACACGGCGAGCTCCACAACGTA[G>C]AGCAGATGTTGCACAGTCAAAGGCAGTGTCTCCAGCTCCAAGTACAATCACGACTCCCCG-3'
Protein context (NP_000101.2, residues 342-362): DTAFDCATSA[Leu352Val]RCGARRVFIV

ClinVar aggregate classification (germline): Uncertain significance (1 of 4 stars; one submission).

gnomAD v4.1: 6 of 1,614,130 alleles (0.00037%); highest among the groups gnomAD compares: Admixed American, 0.0033%; no homozygotes.

Submission:

Athena Diagnostics
Classification: Uncertain significance. Last evaluated: 2024-12-05. Review status: criteria provided, single submitter. Criteria: Athena Diagnostics Criteria. Collection method: clinical testing. Allele origin: unknown.
Comment: Available data are insufficient to determine the clinical significance of the variant at this time. The frequency of this variant in the general population is uninformative in assessment of its pathogenicity. Assessment of experimental evidence regarding the effect of this variant on protein function is inconclusive (PMID: 24648345).

Literature cited by the submitters: PubMed 24648345; PubMed 29152729; PubMed 27101133; PubMed 39283294.